The following is an entry in ClinVar:

ClinVar aggregate classification (germline): Uncertain significance (1 of 4 stars; one submission).

Conditions:
Diffuse cerebral and cerebellar atrophy - intractable seizures - progressive microcephaly syndrome. Also called: Microcephaly, progressive, with seizures and cerebral and cerebellar atrophy. Identifiers: Orphanet 404437, MedGen C4014239, MONDO:0014335, OMIM 615760.

Allele frequency attached by ClinVar (database versions not stated): TOPMed 0.00001; ExAC 0.00003.
gnomAD v4.1: 26 of 1,614,136 alleles (0.0016%); highest among the groups gnomAD compares: African/African-American, 0.0027%; no homozygotes.

Submission:

Labcorp Genetics (formerly Invitae), Labcorp
Classification: Uncertain significance for Diffuse cerebral and cerebellar atrophy - intractable seizures - progressive microcephaly syndrome. Last evaluated: 2021-12-23. Review status: criteria provided, single submitter. Criteria: Invitae Variant Classification Sherloc (09022015). Collection method: clinical testing. Allele origin: germline.
Comment: This sequence change replaces glutamic acid, which is acidic and polar, with glutamine, which is neutral and polar, at codon 388 of the QARS protein (p.Glu388Gln). This variant is present in population databases (rs749042622, gnomAD 0.01%). This variant has not been reported in the literature in individuals affected with QARS-related conditions. Algorithms developed to predict the effect of missense changes on protein structure and function are either unavailable or do not agree on the potential impact of this missense change (SIFT: "Deleterious"; PolyPhen-2: "Probably Damaging"; Align-GVGD: "Class C0"). Algorithms developed to predict the effect of sequence changes on RNA splicing suggest that this variant may create or strengthen a splice site. In summary, the available evidence is currently insufficient to determine the role of this variant in disease. Therefore, it has been classified as a Variant of Uncertain Significance.

NM_005051.3(QARS1):c.1162G>C (p.Glu388Gln)

Gene: QARS1 (glutaminyl-tRNA synthetase 1; minus strand). Cytogenetic location: 3p21.31.
Variant type: single nucleotide variant.
Coding change: c.1162G>C on transcript NM_005051.3 (MANE Select); coding-DNA position 1162, G replaced by C.
Protein change: p.Glu388Gln; replaces glutamic acid 388 with glutamine.
Molecular consequence: missense variant. On other transcripts: non-coding transcript variant (1).
Genome position (GRCh38, 1-based): chr3:49,100,192, C>G on the plus strand (G>C on the coding strand, the complement: QARS1 is on the minus strand). VCF-style: chr3-49100192-C-G. GRCh37 (hg19) VCF-style: chr3-49137625-C-G.
Other names: c.1129G>C, p.Glu377Gln (NM_001272073.2); short protein forms E388Q, E377Q.
Identifiers: ClinVar variation 1910801 (VCV001910801.2), dbSNP rs749042622, ClinGen allele CA2391875.